The following is an entry in ClinVar:

NM_018714.3(COG1):c.560G>A (p.Arg187Gln)

Gene: COG1 (component of oligomeric golgi complex 1; plus strand). Cytogenetic location: 17q25.1.
Variant type: single nucleotide variant.
Coding change: c.560G>A on transcript NM_018714.3 (MANE Select); coding-DNA position 560, G replaced by A.
Protein change: p.Arg187Gln; replaces arginine 187 with glutamine.
Molecular consequence: missense variant.
Genome position (GRCh38, 1-based): chr17:73,196,751, G>A. VCF-style: chr17-73196751-G-A. GRCh37 (hg19) VCF-style: chr17-71192890-G-A.
Other names: short protein forms R187Q.
Identifiers: ClinVar variation 2420783 (VCV002420783.6), dbSNP rs374792279, ClinGen allele CA293799548.

ClinVar aggregate classification (germline): Uncertain significance (1 of 4 stars; one submission).

Conditions:
COG1 congenital disorder of glycosylation (CDG2G). Also called: CONGENITAL DISORDER OF GLYCOSYLATION, TYPE IIg; CDG IIg; CDGII/COG1 CEREBROCOSTOMANDIBULAR-LIKE SYNDROME. Identifiers: Orphanet 263508, MedGen C2931011, MONDO:0012637, OMIM 611209.

Allele frequency attached by ClinVar (database versions not stated): gnomAD 0.00001; TOPMed 0.00002; ESP Exome Variant Server 0.00008.
gnomAD v4.1: 30 of 1,613,980 alleles (0.0019%); highest among the groups gnomAD compares: Middle Eastern, 0.016%; no homozygotes.

Submission:

Labcorp Genetics (formerly Invitae), Labcorp
Classification: Uncertain significance for COG1 congenital disorder of glycosylation. Last evaluated: 2025-02-24. Review status: criteria provided, single submitter. Criteria: Invitae Variant Classification Sherloc (09022015). Collection method: clinical testing. Allele origin: germline.
Comment: This sequence change replaces arginine, which is basic and polar, with glutamine, which is neutral and polar, at codon 187 of the COG1 protein (p.Arg187Gln). This variant also falls at the last nucleotide of exon 2, which is part of the consensus splice site for this exon. This variant is present in population databases (rs374792279, gnomAD 0.005%). This variant has not been reported in the literature in individuals affected with COG1-related conditions. ClinVar contains an entry for this variant (Variation ID: 2420783). An algorithm developed to predict the effect of missense changes on protein structure and function (PolyPhen-2) suggests that this variant is likely to be disruptive. Variants that disrupt the consensus splice site are a relatively common cause of aberrant splicing (PMID: 17576681, 9536098). Algorithms developed to predict the effect of sequence changes on RNA splicing suggest that this variant may disrupt the consensus splice site. In summary, the available evidence is currently insufficient to determine the role of this variant in disease. Therefore, it has been classified as a Variant of Uncertain Significance.

Literature cited by the submitters: PubMed 17576681; PubMed 9536098.